The following is an entry in ClinVar:

NM_002772.3(TMPRSS15):c.781C>T (p.Gln261Ter)

Gene: TMPRSS15 (transmembrane serine protease 15; minus strand). Cytogenetic location: 21q21.1.
Variant type: single nucleotide variant.
Coding change: c.781C>T on transcript NM_002772.3 (MANE Select); coding-DNA position 781, C replaced by T.
Protein change: p.Gln261Ter; replaces glutamine 261 with a stop codon.
Molecular consequence: nonsense.
Genome position (GRCh38, 1-based): chr21:18,359,856, G>A on the plus strand (C>T on the coding strand, the complement: TMPRSS15 is on the minus strand). VCF-style: chr21-18359856-G-A. GRCh37 (hg19) VCF-style: chr21-19732173-G-A.
Other names: short protein forms Q261*.
Identifiers: ClinVar variation 4166 (VCV000004166.2), dbSNP rs121908060, ClinGen allele CA116670.

ClinVar aggregate classification (germline): Pathogenic. Review status: criteria provided, single submitter (1 of 4 stars). 2 submissions from 2 submitters: Pathogenic (1). 1 of the submissions does not count toward it. Last evaluated 2021-10-01.

Conditions:
Enterokinase deficiency. Also called: ENTEROPEPTIDASE DEFICIENCY; Deficiency of enteropeptidase; Congenital enteropathy due to enteropeptidase deficiency. Identifiers: Orphanet 168601, MedGen C0268416, MONDO:0009173, OMIM 226200.

Allele frequency attached by ClinVar (database versions not stated): gnomAD exomes below 0.00001; TOPMed below 0.00001.

Submissions (2):

Laboratory of Medical Genetics, National & Kapodistrian University of Athens
Classification: Pathogenic for Enterokinase deficiency. Last evaluated: 2021-10-01. Review status: criteria provided, single submitter. Criteria: ACMG Guidelines, 2015. Collection method: clinical testing. Allele origin: unknown. Affected: yes.
Comment: PVS1, PM2, PP3

OMIM
Classification: Pathogenic for ENTEROKINASE DEFICIENCY. Last evaluated: 2002-01-01. Review status: no assertion criteria provided. Collection method: literature only. Allele origin: germline. Not counted in ClinVar's aggregate classification.

Literature cited by the submitters: PubMed 4322674 (cited by OMIM); PubMed 11719902 (cited by OMIM).